The following is an entry in ClinVar:

NM_002087.4(GRN):c.836-3C>T

Gene: GRN (granulin precursor; plus strand). Cytogenetic location: 17q21.31.
Variant type: single nucleotide variant.
Coding change: c.836-3C>T on transcript NM_002087.4 (MANE Select); 3 bases into the intron before coding-DNA position 836, C replaced by T.
Molecular consequence: intron variant.
Genome position (GRCh38, 1-based): chr17:44,351,360, C>T. VCF-style: chr17-44351360-C-T. GRCh37 (hg19) VCF-style: chr17-42428728-C-T.
Identifiers: ClinVar variation 643134 (VCV000643134.10), dbSNP rs771907059, ClinGen allele CA8602045.

ClinVar aggregate classification (germline): Uncertain significance. Review status: criteria provided, multiple submitters, no conflicts (2 of 4 stars). 3 submissions from 3 submitters: Uncertain significance (3). Last evaluated 2025-12-17.

Conditions:
GRN-related frontotemporal lobar degeneration with Tdp43 inclusions (FTD2). Also called: DEMENTIA, HEREDITARY DYSPHASIC DISINHIBITION; GRN Frontotemporal Dementia; FRONTOTEMPORAL DEMENTIA WITH TDP43 INCLUSIONS, GRN-RELATED; FRONTOTEMPORAL LOBAR DEGENERATION WITH UBIQUITIN-POSITIVE INCLUSIONS; FTLD-TDP, GRN-RELATED. Identifiers: Orphanet 100070, Orphanet 282, MedGen C1843792, MONDO:0011842, OMIM 607485. Disease mechanism: loss of function.
Neuronal ceroid lipofuscinosis 11. Also called: GRN-Related Neuronal Ceroid-Lipofuscinosis. Identifiers: Orphanet 314629, Orphanet 79262, MedGen C3539123, MONDO:0013866, OMIM 614706.

Allele frequency attached by ClinVar (database versions not stated): ExAC 0.00001; gnomAD exomes 0.00001; gnomAD 0.00002; TOPMed 0.00003.
gnomAD v4.1: 33 of 1,609,962 alleles (0.002%); highest among the groups gnomAD compares: Middle Eastern, 0.066%; no homozygotes.

Submissions (3):

Labcorp Genetics (formerly Invitae), Labcorp
Classification: Uncertain significance for Neuronal ceroid lipofuscinosis 11; GRN-related frontotemporal lobar degeneration with Tdp43 inclusions. Last evaluated: 2025-12-17. Review status: criteria provided, single submitter. Criteria: Invitae Variant Classification Sherloc (09022015). Collection method: clinical testing. Allele origin: germline.
Comment: This sequence change falls in intron 8 of the GRN gene. It does not directly change the encoded amino acid sequence of the GRN protein. It affects a nucleotide within the consensus splice site. This variant is present in population databases (rs771907059, gnomAD 0.002%). This variant has not been reported in the literature in individuals affected with GRN-related conditions. ClinVar contains an entry for this variant (Variation ID: 643134). Variants that disrupt the consensus splice site are a relatively common cause of aberrant splicing (PMID: 17576681, 9536098). Algorithms developed to predict the effect of sequence changes on RNA splicing suggest that this variant is not likely to affect RNA splicing. In summary, the available evidence is currently insufficient to determine the role of this variant in disease. Therefore, it has been classified as a Variant of Uncertain Significance.

Athena Diagnostics
Classification: Uncertain significance. Last evaluated: 2020-03-03. Review status: criteria provided, single submitter. Criteria: Athena Diagnostics Criteria. Collection method: clinical testing. Allele origin: unknown.

Breakthrough Genomics
Classification: Uncertain significance. Review status: criteria provided, single submitter. Criteria: ACMG Guidelines, 2015. Collection method: not provided. Allele origin: germline. Inheritance: Autosomal recessive inheritance. Affected: yes.

Literature cited by the submitters: PubMed 17576681 (cited by Labcorp Genetics (formerly Invitae), Labcorp); PubMed 9536098 (cited by Labcorp Genetics (formerly Invitae), Labcorp).